The following is an entry in ClinVar:

NM_205836.3(FBXO38):c.3024+5C>T

Gene: FBXO38 (F-box protein 38; plus strand). Cytogenetic location: 5q32.
Variant type: single nucleotide variant.
Coding change: c.3024+5C>T on transcript NM_205836.3 (MANE Select); 5 bases into the intron after coding-DNA position 3024, C replaced by T.
Molecular consequence: intron variant.
Genome position (GRCh38, 1-based): chr5:148,438,503, C>T. VCF-style: chr5-148438503-C-T. GRCh37 (hg19) VCF-style: chr5-147818066-C-T.
Other names: c.2799+5C>T (NM_030793.5, NM_030793.4); c.2289+5C>T (NM_001271723.2).
Identifiers: ClinVar variation 1007794 (VCV001007794.11), dbSNP rs781235057, ClinGen allele CA3497644.
Genomic context (GRCh38, chr5:148,438,503, plus strand): 5'-TACTAAGAATGCCACCCGAGAGAAACCGCATCATATACCTACGCCCAATGCAGCAGGTAA[C>T]GAGCTTTGCTTCTTTCCGATGATACACATATTGTGGTGTTTTTCTTTTTCTTTTTCTTGT-3'

ClinVar aggregate classification (germline): Conflicting classifications of pathogenicity. Review status: criteria provided, conflicting classifications (1 of 4 stars). 3 submissions from 3 submitters: Uncertain significance (2); Likely benign (1). Last evaluated 2025-11-26.

Conditions:
FBXO38-related disorder. Also called: FBXO38-related condition.
Distal hereditary motor neuropathy type 2. Identifiers: Orphanet 139525, MedGen C3711384, MeSH C580044, MONDO:0015352.

Allele frequency attached by ClinVar (database versions not stated): ExAC 0.00001; gnomAD 0.00001; TOPMed 0.00001; gnomAD exomes 0.00002 and 0.00003.
gnomAD v4.1: 39 of 1,607,332 alleles (0.0024%); highest among the groups gnomAD compares: East Asian, 0.013%; no homozygotes.

Submissions (3):

PreventionGenetics, part of Exact Sciences
Classification: Likely benign for FBXO38-related condition. Last evaluated: 2025-11-26. Review status: criteria provided, single submitter. Criteria: ACMG Guidelines, 2015. Collection method: clinical testing. Allele origin: germline.
Comment: This variant is classified as likely benign based on ACMG/AMP sequence variant interpretation guidelines (Richards et al. 2015 PMID: 25741868, with internal and published modifications).

Labcorp Genetics (formerly Invitae), Labcorp
Classification: Uncertain significance for Distal hereditary motor neuropathy type 2. Last evaluated: 2024-12-12. Review status: criteria provided, single submitter. Criteria: Invitae Variant Classification Sherloc (09022015). Collection method: clinical testing. Allele origin: germline.
Comment: This sequence change falls in intron 18 of the FBXO38 gene. It does not directly change the encoded amino acid sequence of the FBXO38 protein. It affects a nucleotide within the consensus splice site. This variant is present in population databases (rs781235057, gnomAD 0.006%). This variant has not been reported in the literature in individuals affected with FBXO38-related conditions. ClinVar contains an entry for this variant (Variation ID: 1007794). Variants that disrupt the consensus splice site are a relatively common cause of aberrant splicing (PMID: 17576681, 9536098). Algorithms developed to predict the effect of sequence changes on RNA splicing suggest that this variant is not likely to affect RNA splicing. In summary, the available evidence is currently insufficient to determine the role of this variant in disease. Therefore, it has been classified as a Variant of Uncertain Significance.

Ambry Genetics
Classification: Uncertain significance. Last evaluated: 2021-09-08. Review status: criteria provided, single submitter. Criteria: Ambry Variant Classification Scheme 2023. Collection method: clinical testing. Allele origin: germline.
Comment: The c.3024+5C>T intronic variant results from a C to T substitution 5 nucleotides after coding exon 17 in the FBXO38 gene. This nucleotide position is not well conserved in available vertebrate species. In silico splice site analysis predicts that this alteration will not have any significant effect on splicing. Since supporting evidence is limited at this time, the clinical significance of this alteration remains unclear.

Literature cited by the submitters: PubMed 17576681 (cited by Labcorp Genetics (formerly Invitae), Labcorp); PubMed 9536098 (cited by Labcorp Genetics (formerly Invitae), Labcorp).